The following is an entry in ClinVar:

NM_004168.4(SDHA):c.1565A>C (p.His522Pro)

Gene: SDHA (succinate dehydrogenase complex flavoprotein subunit A; plus strand). Cytogenetic location: 5p15.33.
Variant type: single nucleotide variant.
Coding change: c.1565A>C on transcript NM_004168.4 (MANE Select); coding-DNA position 1565, A replaced by C.
Protein change: p.His522Pro; replaces histidine 522 with proline.
Molecular consequence: missense variant. On other transcripts: intron variant (1).
Genome position (GRCh38, 1-based): chr5:251,005, A>C. VCF-style: chr5-251005-A-C. GRCh37 (hg19) VCF-style: chr5-251120-A-C.
Other names: c.1421A>C, p.His474Pro (NM_001294332.2); c.1552-3388A>C (NM_001330758.2); short protein forms H474P, H522P.
Identifiers: ClinVar variation 5029207 (VCV005029207.1).
Genomic context (GRCh38, chr5:251,005, plus strand): 5'-GCTGCTTCTATGGATTAAAAGTTTACAAATAATATTTTGTGCCACAGTCAATGCAAAATC[A>C]TGCTGCCGTGTTCCGTGTGGGAAGCGTGTTGCAAGAAGGTTGTGGGAAAATCAGCAAGCT-3'
Protein context (NP_004159.2, residues 512-532): RLSMQKSMQN[His522Pro]AAVFRVGSVL

ClinVar aggregate classification (germline): Uncertain significance (1 of 4 stars; one submission).

Conditions:
Hereditary cancer-predisposing syndrome. Also called: Neoplastic Syndromes, Hereditary; Tumor predisposition; Hereditary neoplastic syndrome; Hereditary Cancer Syndrome. Identifiers: Orphanet 140162, MedGen C0027672, MeSH D009386, MONDO:0015356.

Submission:

Ambry Genetics
Classification: Uncertain significance for Hereditary cancer-predisposing syndrome. Last evaluated: 2026-08-27. Review status: criteria provided, single submitter. Criteria: Ambry Variant Classification Scheme 2023. Collection method: clinical testing. Allele origin: germline.
Comment: The p.H522P variant (also known as c.1565A>C), located in coding exon 12 of the SDHA gene, results from an A to C substitution at nucleotide position 1565. The histidine at codon 522 is replaced by proline, an amino acid with similar properties. This amino acid position is conserved. In addition, this alteration is predicted to be deleterious by in silico analysis. Based on the available evidence, the clinical significance of this variant remains unclear.